The following is an entry in ClinVar:

ClinVar aggregate classification (germline): Likely benign. Review status: criteria provided, multiple submitters, no conflicts (2 of 4 stars). 2 submissions from 2 submitters: Likely benign (2). Last evaluated 2026-01-27.

Conditions:
Neutral lipid storage myopathy (NLSDM). Also called: NEUTRAL LIPID STORAGE DISEASE WITHOUT ICHTHYOSIS. Identifiers: Orphanet 98908, MedGen C1853136, MONDO:0012545, OMIM 610717.
PNPLA2-related disorder. Also called: PNPLA2-related condition.

Submissions (2):

Labcorp Genetics (formerly Invitae), Labcorp
Classification: Likely benign for Neutral lipid storage myopathy. Last evaluated: 2026-01-27. Review status: criteria provided, single submitter. Criteria: Invitae Variant Classification Sherloc (09022015). Collection method: clinical testing. Allele origin: germline.

PreventionGenetics, part of Exact Sciences
Classification: Likely benign for PNPLA2-related condition. Last evaluated: 2025-12-16. Review status: criteria provided, single submitter. Criteria: ACMG Guidelines, 2015. Collection method: clinical testing. Allele origin: germline.
Comment: This variant is classified as likely benign based on ACMG/AMP sequence variant interpretation guidelines (Richards et al. 2015 PMID: 25741868, with internal and published modifications).

NM_020376.4(PNPLA2):c.69C>T (p.Val23=)

Genes: PNPLA2 (patatin like domain 2, triacylglycerol lipase; plus strand), LOC130005097 (ATAC-STARR-seq lymphoblastoid silent region 3036; plus strand). Cytogenetic location: 11p15.5.
Variant type: single nucleotide variant.
Coding change: c.69C>T on transcript NM_020376.4 (MANE Select); coding-DNA position 69, C replaced by T.
Protein change: p.Val23=; no amino-acid change (valine 23 retained).
Molecular consequence: synonymous variant.
Genome position (GRCh38, 1-based): chr11:819,787, C>T. VCF-style: chr11-819787-C-T. GRCh37 (hg19) VCF-style: chr11-819787-C-T.
Other names: c.69C>T (NM_020376.3).
Identifiers: ClinVar variation 4742240 (VCV004742240.2).
Genomic context (GRCh38, chr11:819,787, plus strand): 5'-CCGCGAGAAGACGTGGAACATCTCGTTCGCGGGCTGCGGCTTCCTCGGCGTCTACTACGT[C>T]GGCGTGGCCTCCTGCCTCCGCGAGCACGCGCCCTTCCTGGTGGCCAACGCCACGCACATC-3'
Protein context (NP_065109.1, residues 13-33): AGCGFLGVYY[Val23=]GVASCLREHA